The following is an entry in ClinVar:

ClinVar aggregate classification (germline): Uncertain significance (1 of 4 stars; one submission).

Conditions:
Mendelian susceptibility to mycobacterial diseases due to complete IL12B deficiency. Also called: IL12B DEFICIENCY; Immunodeficiency 29. Identifiers: Orphanet 319558, MedGen C4013948, MONDO:0013954, OMIM 614890.

Submission:

Labcorp Genetics (formerly Invitae), Labcorp
Classification: Uncertain significance for Mendelian susceptibility to mycobacterial diseases due to complete IL12B deficiency. Last evaluated: 2021-12-13. Review status: criteria provided, single submitter. Criteria: Invitae Variant Classification Sherloc (09022015). Collection method: clinical testing. Allele origin: germline.
Comment: In summary, the available evidence is currently insufficient to determine the role of this variant in disease. Therefore, it has been classified as a Variant of Uncertain Significance. Algorithms developed to predict the effect of missense changes on protein structure and function (SIFT, PolyPhen-2, Align-GVGD) all suggest that this variant is likely to be tolerated. This variant has not been reported in the literature in individuals affected with IL12B-related conditions. This variant is present in population databases (rs769479312, gnomAD 0.0009%). This sequence change replaces isoleucine, which is neutral and non-polar, with methionine, which is neutral and non-polar, at codon 8 of the IL12B protein (p.Ile8Met).

NM_002187.3(IL12B):c.24C>G (p.Ile8Met)

Gene: IL12B (interleukin 12B; minus strand). Cytogenetic location: 5q33.3.
Variant type: single nucleotide variant.
Coding change: c.24C>G on transcript NM_002187.3 (MANE Select); coding-DNA position 24, C replaced by G.
Protein change: p.Ile8Met; replaces isoleucine 8 with methionine.
Molecular consequence: missense variant.
Genome position (GRCh38, 1-based): chr5:159,326,759, G>C on the plus strand (C>G on the coding strand, the complement: IL12B is on the minus strand). VCF-style: chr5-159326759-G-C. GRCh37 (hg19) VCF-style: chr5-158753767-G-C.
Other names: short protein forms I8M.
Identifiers: ClinVar variation 2415015 (VCV002415015.5), dbSNP rs769479312, ClinGen allele CA3538906.